The following is an entry in ClinVar:

GRCh37/hg19 3q27.1-28(chr3:184170962-188047867)x1

Genes: ADIPOQ (adiponectin, C1Q and collagen domain containing; plus strand), AHSG (alpha 2-HS glycoprotein; plus strand), BCL6 (BCL6 transcription repressor; minus strand), C3orf70 (chromosome 3 open reading frame 70; minus strand), CRYGS (crystallin gamma S; minus strand) and 29 more. Cytogenetic location: 3q27.1-28.
Variant type: copy number loss.
Change: copy number 1 (one copy instead of two) of chr3:184,170,962-188,047,867 (3.88 Mb, GRCh37 coordinates, 1-based), cytogenetic band 3q27.1-28.
Identifiers: ClinVar variation 1809046 (VCV001809046.1).

ClinVar aggregate classification (germline): Likely pathogenic (1 of 4 stars; one submission).

Submission:

Quest Diagnostics Nichols Institute San Juan Capistrano
Classification: Likely pathogenic. Last evaluated: 2021-07-29. Review status: criteria provided, single submitter. Criteria: ACMG/ClinGen CNV Guidelines, 2019. Collection method: clinical testing. Allele origin: unknown.
Comment: The copy number loss of 3q27.1q28 involves 33 protein-coding genes, including multiple genes associated with autosomal dominant disorders: EHHADH (OMIM 607037), IGF2BP2 (OMIM 608289), CRYGS (OMIM 123730), DNAJB11 (OMIM 611341), HRG (OMIM 142640), KNG1 (OMIM 612358), and LPP (OMIM 600700). Interstitial deletions of 3q27.3 and 3q26.33q27.3 overlapping this region have been associated with emerging syndromes sharing common features such as growth retardation, developmental delay/intellectual disability, and facial dysmorphism (Jewell 2017, Castori 2015, Bouman 2015, Thevenon 2014, Mandrile 2013). Two small regions of overlap (SRO) were defined the3q27.3 region, both of which are fully encompassed in the current loss interval: SRO1 was associated with facial dysmorphism and psychosis, while SRO2 was common among those with low body mass index and a marfanoid habitus (Thevenon 2014). On the other hand, the proposed SRO for 3q26.33q27.3 deletions is more proximal and only partially overlaps the current interval (Bouman 2015). Compared to 3q27.3 deletions, the phenotype of 3q26.33q27.3 deletions is associated with more severe growth restriction (including microcephaly) and brain structural abnormalities. Thus, based onreview of the literature and gene content, the classification of this copy number variant (CNV) is likely pathogenic. References :Bouman et al. An interstitial de-novo microdeletion of 3q26.33q27.3 causing severe intrauterine growth retardation. Clin Dysmorphol. 2015Apr;24(2):68-74. PMID: 25714561.C astori et al. An additional patient with 3q27.3 microdeletion syndrome. J Child Neurol. 2015 Mar;30(4):500-4. PMID: 25038125. Jewell et al. 3q27.3 Microdeletion syndrome: further delineation of the second region of overlap and atopic dermatitis as a phenotypic feature. Clin Dysmorphol. 2017 Jul;26(3):154-156. PMID: 28288024. Mandrile et al. 3q26.33-3q27.2 microdeletion: a new microdeletion syndrome? Eur J Med Genet. 2013 Apr;56(4):216-21. PMID: 23357683. Thevenon et al. 3q27.3 microdeletional syndrome: a recognisable clinical entity associating dysmorphic features, marfanoid habitus,intellectual disability and psychosis with mood disorder. J Med Genet. 2014 Jan;51(1):21-7. PMID: 24133203.